The following is an entry in ClinVar:

NM_001029883.3(PCARE):c.3124C>G (p.Pro1042Ala)

Gene: PCARE (photoreceptor cilium actin regulator; minus strand). Cytogenetic location: 2p23.2.
Variant type: single nucleotide variant.
Coding change: c.3124C>G on transcript NM_001029883.3 (MANE Select); coding-DNA position 3124, C replaced by G.
Protein change: p.Pro1042Ala; replaces proline 1042 with alanine.
Molecular consequence: missense variant.
Genome position (GRCh38, 1-based): chr2:29,071,138, G>C on the plus strand (C>G on the coding strand, the complement: PCARE is on the minus strand). VCF-style: chr2-29071138-G-C. GRCh37 (hg19) VCF-style: chr2-29294004-G-C.
Other names: short protein forms P1042A.
Identifiers: ClinVar variation 1926261 (VCV001926261.5), dbSNP rs1479927058, ClinGen allele CA346475758.
Genomic context (GRCh38, chr2:29,071,138, plus strand): 5'-CGGGGGGAGGGTTGGGCAACTTGGGCTGGTGCGGTGGGGAAGTTCGCCGCTTTGTGGTGG[G>C]TGGGCTTAGCACCCTGGGGCTCACAGGTGGGCTGGGGGGCGTCTGCACAGCAGAGGGGCT-3'
Protein context (NP_001025054.1, residues 1032-1052): PPVSPRVLSP[Pro1042Ala]TTKRRTSPPH

ClinVar aggregate classification (germline): Uncertain significance (1 of 4 stars; one submission).

gnomAD v4.1: 1 of 1,585,322 alleles (0.000063%); no homozygotes.

Submission:

Labcorp Genetics (formerly Invitae), Labcorp
Classification: Uncertain significance. Last evaluated: 2023-02-20. Review status: criteria provided, single submitter. Criteria: Invitae Variant Classification Sherloc (09022015). Collection method: clinical testing. Allele origin: germline.
Comment: In summary, the available evidence is currently insufficient to determine the role of this variant in disease. Therefore, it has been classified as a Variant of Uncertain Significance. Algorithms developed to predict the effect of missense changes on protein structure and function output the following: SIFT: "Not Available"; PolyPhen-2: "Benign"; Align-GVGD: "Not Available". The alanine amino acid residue is found in multiple mammalian species, which suggests that this missense change does not adversely affect protein function. This variant has not been reported in the literature in individuals affected with PCARE-related conditions. This variant is not present in population databases (gnomAD no frequency). This sequence change replaces proline, which is neutral and non-polar, with alanine, which is neutral and non-polar, at codon 1042 of the PCARE protein (p.Pro1042Ala).